The following is an entry in ClinVar:

NM_024675.4(PALB2):c.2382G>T (p.Arg794Ser)

Gene: PALB2 (partner and localizer of BRCA2; minus strand). Cytogenetic location: 16p12.2.
Variant type: single nucleotide variant.
Coding change: c.2382G>T on transcript NM_024675.4 (MANE Select); coding-DNA position 2382, G replaced by T.
Protein change: p.Arg794Ser; replaces arginine 794 with serine.
Molecular consequence: missense variant.
Genome position (GRCh38, 1-based): chr16:23,629,772, C>A on the plus strand (G>T on the coding strand, the complement: PALB2 is on the minus strand). VCF-style: chr16-23629772-C-A. GRCh37 (hg19) VCF-style: chr16-23641093-C-A.
Other names: short protein forms R794S.
Identifiers: ClinVar variation 484163 (VCV000484163.21), dbSNP rs786203837, ClinGen allele CA395124620.

ClinVar aggregate classification (germline): Uncertain significance. Review status: criteria provided, multiple submitters, no conflicts (2 of 4 stars). 3 submissions from 3 submitters: Uncertain significance (3). Last evaluated 2025-08-07.

Conditions:
Hereditary cancer-predisposing syndrome. Also called: Neoplastic Syndromes, Hereditary; Tumor predisposition; Hereditary Cancer Syndrome; Hereditary neoplastic syndrome. Identifiers: Orphanet 140162, MedGen C0027672, MeSH D009386, MONDO:0015356.
Familial cancer of breast. Also called: BREAST CANCER, FAMILIAL; Hereditary breast cancer; hereditary breast carcinoma. Identifiers: Orphanet 227535, MedGen C0346153, MONDO:0016419, OMIM 114480. Disease mechanism: loss of function.

Allele frequency attached by ClinVar (database versions not stated): gnomAD exomes below 0.00001.
gnomAD v4.1: 2 of 1,614,182 alleles (0.00012%); highest among the groups gnomAD compares: Non-Finnish European, 0.00017%; no homozygotes.

Submissions (3):

Ambry Genetics
Classification: Uncertain significance for Hereditary cancer-predisposing syndrome. Last evaluated: 2025-08-07. Review status: criteria provided, single submitter. Criteria: Ambry Variant Classification Scheme 2023. Collection method: clinical testing. Allele origin: germline.
Comment: The p.R794S variant (also known as c.2382G>T), located in coding exon 5 of the PALB2 gene, results from a G to T substitution at nucleotide position 2382. The arginine at codon 794 is replaced by serine, an amino acid with dissimilar properties. This amino acid position is not well conserved in available vertebrate species. In addition, this alteration is predicted to be tolerated by in silico analysis. Since supporting evidence is limited at this time, the clinical significance of this alteration remains unclear.

Labcorp Genetics (formerly Invitae), Labcorp
Classification: Uncertain significance for Familial cancer of breast. Last evaluated: 2025-04-30. Review status: criteria provided, single submitter. Criteria: Invitae Variant Classification Sherloc (09022015). Collection method: clinical testing. Allele origin: germline.
Comment: This sequence change replaces arginine, which is basic and polar, with serine, which is neutral and polar, at codon 794 of the PALB2 protein (p.Arg794Ser). This variant is not present in population databases (gnomAD no frequency). This variant has not been reported in the literature in individuals affected with PALB2-related conditions. ClinVar contains an entry for this variant (Variation ID: 484163). Invitae Evidence Modeling of protein sequence and biophysical properties (such as structural, functional, and spatial information, amino acid conservation, physicochemical variation, residue mobility, and thermodynamic stability) has been performed for this missense variant. However, the output from this modeling did not meet the statistical confidence thresholds required to predict the impact of this variant on PALB2 protein function. In summary, the available evidence is currently insufficient to determine the role of this variant in disease. Therefore, it has been classified as a Variant of Uncertain Significance.

Color Diagnostics, LLC DBA Color Health
Classification: Uncertain significance for Hereditary cancer-predisposing syndrome. Last evaluated: 2024-03-07. Review status: criteria provided, single submitter. Criteria: ACMG Guidelines, 2015. Collection method: clinical testing. Allele origin: germline.
Comment: This missense variant replaces arginine with serine at codon 794 of the PALB2 protein. Computational prediction suggests that this variant may not impact protein structure and function (internally defined REVEL score threshold <= 0.5, PMID: 27666373). To our knowledge, functional studies have not been reported for this variant. This variant has not been reported in individuals affected with PALB2-related disorders in the literature. This variant has been identified in 1/251424 chromosomes in the general population by the Genome Aggregation Database (gnomAD). The available evidence is insufficient to determine the role of this variant in disease conclusively. Therefore, this variant is classified as a Variant of Uncertain Significance.